The following is an entry in ClinVar:

ClinVar aggregate classification (germline): Uncertain significance. Review status: criteria provided, multiple submitters, no conflicts (2 of 4 stars). 4 submissions from 2 submitters: Uncertain significance (4). Last evaluated 2025-08-08.

Conditions:
Pulmonary fibrosis and/or bone marrow failure, Telomere-related, 1. Also called: PULMONARY FIBROSIS AND/OR BONE MARROW FAILURE SYNDROME, TELOMERE-RELATED, 1. Identifiers: Orphanet 88, MedGen C3553617, MONDO:0013878, OMIM 614742.
Dyskeratosis congenita. Identifiers: Orphanet 1775, MedGen C0265965, MONDO:0015780.
Aplastic anemia. Identifiers: Orphanet 182040, Orphanet 88, MedGen C0002874, MONDO:0015909, OMIM 609135, HP:0001915.
Dyskeratosis congenita, autosomal dominant 2. Identifiers: MedGen C3151443, MONDO:0013521, OMIM 613989.

Submissions (4):

Ambry Genetics
Classification: Uncertain significance for Dyskeratosis congenita. Last evaluated: 2025-08-08. Review status: criteria provided, single submitter. Criteria: Ambry Variant Classification Scheme 2023. Collection method: clinical testing. Allele origin: germline.
Comment: The p.E668A variant (also known as c.2003A>C), located in coding exon 5 of the TERT gene, results from an A to C substitution at nucleotide position 2003. The glutamic acid at codon 668 is replaced by alanine, an amino acid with dissimilar properties. Functional studies showed reduced telomerase activity and some reduced efficiency in template translocation turnover for this variant compared to the wildtype enzyme; however, the physiological relevance of these findings is unclear (Xie M et al. Nucleic Acids Res, 2010 Apr;38:1982-96). This amino acid position is highly conserved in available vertebrate species. In addition, this alteration is predicted to be deleterious by in silico analysis. Based on the available evidence, the clinical significance of this variant remains unclear.

Illumina Laboratory Services, Illumina
Classification: Uncertain significance for Dyskeratosis congenita, autosomal dominant 2. Last evaluated: 2018-01-13. Review status: criteria provided, single submitter. Criteria: ICSL Variant Classification Criteria 13 December 2019. Collection method: clinical testing. Allele origin: germline.

Illumina Laboratory Services, Illumina
Classification: Uncertain significance for Aplastic anemia. Last evaluated: 2018-01-13. Review status: criteria provided, single submitter. Criteria: ICSL Variant Classification Criteria 13 December 2019. Collection method: clinical testing. Allele origin: germline.

Illumina Laboratory Services, Illumina
Classification: Uncertain significance for Pulmonary fibrosis and/or bone marrow failure, Telomere-related, 1. Last evaluated: 2018-01-13. Review status: criteria provided, single submitter. Criteria: ICSL Variant Classification Criteria 13 December 2019. Collection method: clinical testing. Allele origin: germline.

Literature cited by the submitters: PubMed 20044353 (cited by Ambry Genetics).

NM_198253.3(TERT):c.2003A>C (p.Glu668Ala)

Gene: TERT (telomerase reverse transcriptase; minus strand). Cytogenetic location: 5p15.33.
Variant type: single nucleotide variant.
Coding change: c.2003A>C on transcript NM_198253.3 (MANE Select); coding-DNA position 2003, A replaced by C.
Protein change: p.Glu668Ala; replaces glutamic acid 668 with alanine.
Molecular consequence: missense variant. On other transcripts: non-coding transcript variant (2).
Genome position (GRCh38, 1-based): chr5:1,279,418, T>G on the plus strand (A>C on the coding strand, the complement: TERT is on the minus strand). VCF-style: chr5-1279418-T-G. GRCh37 (hg19) VCF-style: chr5-1279533-T-G.
Other names: c.2003A>C, p.Glu668Ala (NM_001193376.3); short protein forms E668A.
Identifiers: ClinVar variation 906295 (VCV000906295.5), dbSNP rs1749859084, ClinGen allele CA359080716.